The following is an entry in ClinVar:

ClinVar aggregate classification (germline): Uncertain significance (1 of 4 stars; one submission).

Conditions:
DYRK1A-related intellectual disability syndrome (MRD7). Also called: DYRK1A Syndrome; Intellectual developmental disorder, autosomal dominant 7. Identifiers: Orphanet 464306, MedGen C5568143, MONDO:0013578, OMIM 614104.

Submission:

Labcorp Genetics (formerly Invitae), Labcorp
Classification: Uncertain significance for DYRK1A-related intellectual disability syndrome. Last evaluated: 2022-06-15. Review status: criteria provided, single submitter. Criteria: Invitae Variant Classification Sherloc (09022015). Collection method: clinical testing. Allele origin: germline.
Comment: In summary, the available evidence is currently insufficient to determine the role of this variant in disease. Therefore, it has been classified as a Variant of Uncertain Significance. Advanced modeling of protein sequence and biophysical properties (such as structural, functional, and spatial information, amino acid conservation, physicochemical variation, residue mobility, and thermodynamic stability) performed at Invitae indicates that this missense variant is not expected to disrupt DYRK1A protein function. This variant has not been reported in the literature in individuals affected with DYRK1A-related conditions. This variant is not present in population databases (gnomAD no frequency). This sequence change replaces valine, which is neutral and non-polar, with phenylalanine, which is neutral and non-polar, at codon 632 of the DYRK1A protein (p.Val632Phe).

NM_001347721.2(DYRK1A):c.1867G>T (p.Val623Phe)

Gene: DYRK1A (dual specificity tyrosine phosphorylation regulated kinase 1A; plus strand). Cytogenetic location: 21q22.13.
Variant type: single nucleotide variant.
Coding change: c.1867G>T on transcript NM_001347721.2 (MANE Select); coding-DNA position 1867, G replaced by T.
Protein change: p.Val623Phe; replaces valine 623 with phenylalanine.
Molecular consequence: missense variant. On other transcripts: 3 prime UTR variant (2).
Genome position (GRCh38, 1-based): chr21:37,512,133, G>T. VCF-style: chr21-37512133-G-T. GRCh37 (hg19) VCF-style: chr21-38884436-G-T.
Other names: c.1867G>T, p.Val623Phe (NM_001347722.2, NM_130436.2); c.1780G>T, p.Val594Phe (NM_001347723.2); c.1894G>T, p.Val632Phe (NM_001396.5); c.*270G>T (NM_101395.2); c.*179G>T (NM_130438.2); short protein forms V623F, V594F, V632F.
Identifiers: ClinVar variation 2006949 (VCV002006949.4), dbSNP rs2518096652, ClinGen allele CA409939765.